The following is an entry in ClinVar:

NM_001111125.3(IQSEC2):c.3374T>G (p.Leu1125Arg)

Gene: IQSEC2 (IQ motif and Sec7 domain ArfGEF 2; minus strand). Cytogenetic location: Xp11.22.
Variant type: single nucleotide variant.
Coding change: c.3374T>G on transcript NM_001111125.3 (MANE Select); coding-DNA position 3374, T replaced by G.
Protein change: p.Leu1125Arg; replaces leucine 1125 with arginine.
Molecular consequence: missense variant.
Genome position (GRCh38, 1-based): chrX:53,236,399, A>C on the plus strand (T>G on the coding strand, the complement: IQSEC2 is on the minus strand). VCF-style: chrX-53236399-A-C. GRCh37 (hg19) VCF-style: chrX-53265581-A-C.
Other names: c.3374T>G, p.Leu1125Arg (NM_001410736.1); c.2759T>G, p.Leu920Arg (NM_015075.2); short protein forms L920R, L1125R.
Identifiers: ClinVar variation 2001197 (VCV002001197.4), dbSNP rs2519689343, ClinGen allele CA413144655.

ClinVar aggregate classification (germline): Uncertain significance (1 of 4 stars; one submission).

Conditions:
Intellectual developmental disorder, X-linked 1. Also called: Atkin Flaitz Patil Smith syndrome; MENTAL RETARDATION, X-LINKED 18; MENTAL RETARDATION, X-LINKED 78; Intellectual disability, X-linked 1. Identifiers: Orphanet 777, MedGen C2931498, MONDO:0010656, OMIM 309530.

Submission:

Labcorp Genetics (formerly Invitae), Labcorp
Classification: Uncertain significance for Intellectual developmental disorder, X-linked 1. Last evaluated: 2022-06-11. Review status: criteria provided, single submitter. Criteria: Invitae Variant Classification Sherloc (09022015). Collection method: clinical testing. Allele origin: germline.
Comment: This variant has not been reported in the literature in individuals affected with IQSEC2-related conditions. This variant is not present in population databases (gnomAD no frequency). This sequence change replaces leucine, which is neutral and non-polar, with arginine, which is basic and polar, at codon 1125 of the IQSEC2 protein (p.Leu1125Arg). In summary, the available evidence is currently insufficient to determine the role of this variant in disease. Therefore, it has been classified as a Variant of Uncertain Significance. Advanced modeling of protein sequence and biophysical properties (such as structural, functional, and spatial information, amino acid conservation, physicochemical variation, residue mobility, and thermodynamic stability) performed at Invitae indicates that this missense variant is expected to disrupt IQSEC2 protein function.